The following is an entry in ClinVar:

NM_002473.6(MYH9):c.1566G>A (p.Pro522=)

Gene: MYH9 (myosin heavy chain 9; minus strand). Cytogenetic location: 22q12.3.
Variant type: single nucleotide variant.
Coding change: c.1566G>A on transcript NM_002473.6 (MANE Select); coding-DNA position 1566, G replaced by A.
Protein change: p.Pro522=; no amino-acid change (proline 522 retained).
Molecular consequence: synonymous variant.
Genome position (GRCh38, 1-based): chr22:36,312,211, C>T on the plus strand (G>A on the coding strand, the complement: MYH9 is on the minus strand). VCF-style: chr22-36312211-C-T. GRCh37 (hg19) VCF-style: chr22-36708256-C-T.
Other names: c.1566G>A (NM_002473.5).
Identifiers: ClinVar variation 287602 (VCV000287602.22), dbSNP rs145517108, ClinGen allele CA10210244.

ClinVar aggregate classification (germline): Conflicting classifications of pathogenicity. Review status: criteria provided, conflicting classifications (1 of 4 stars). 7 submissions from 7 submitters: Uncertain significance (1); Benign (1); Likely benign (4). 1 of the submissions does not count toward it. Last evaluated 2025-12-11.

Conditions:
MYH9-related disorder. Identifiers: MedGen C1854520.

Allele frequency attached by ClinVar (database versions not stated): gnomAD exomes 0.00009 and 0.00020; ExAC 0.00017; gnomAD 0.00054 and 0.00057; TOPMed 0.00073; 1000 Genomes Project 0.00080; ESP Exome Variant Server 0.00085; 1000 Genomes Project 30x 0.00094.
gnomAD v4.1: 229 of 1,614,014 alleles (0.014%); highest among the groups gnomAD compares: African/African-American, 0.17%; no homozygotes.

Submissions (7):

Labcorp Genetics (formerly Invitae), Labcorp
Classification: Benign. Last evaluated: 2025-12-11. Review status: criteria provided, single submitter. Criteria: Invitae Variant Classification Sherloc (09022015). Collection method: clinical testing. Allele origin: germline.

Blueprint Genetics
Classification: Likely benign. Last evaluated: 2024-10-21. Review status: criteria provided, single submitter. Criteria: ACMG Guidelines, 2015. Collection method: clinical testing. Allele origin: germline.

Women's Health and Genetics/Laboratory Corporation of America, LabCorp
Classification: Likely benign. Last evaluated: 2024-09-13. Review status: criteria provided, single submitter. Criteria: LabCorp Variant Classification Summary - May 2015. Collection method: clinical testing. Allele origin: germline.

GeneDx
Classification: Likely benign. Last evaluated: 2020-06-29. Review status: criteria provided, single submitter. Criteria: GeneDx Variant Classification Process June 2021. Collection method: clinical testing. Allele origin: germline. Affected: yes.

Laboratory for Molecular Medicine, Mass General Brigham Personalized Medicine
Classification: Likely benign. Last evaluated: 2016-08-02. Review status: criteria provided, single submitter. Criteria: LMM Criteria. Collection method: clinical testing. Allele origin: germline. Observed: 1 variant allele.
Comment: p.Pro522Pro in exon 14 of MYH9: This variant is not expected to have clinical si gnificance because it does not alter an amino acid residue, is not located withi n the splice consensus sequence, and has been identified in 0.1% (12/10304) of A frican chromosomes by the Exome Aggregation Consortium (ExAC; dbSNP rs145517108).

Eurofins Ntd Llc (ga)
Classification: Uncertain significance. Last evaluated: 2016-06-07. Review status: criteria provided, single submitter. Criteria: EGL Classification Definitions 2015. Collection method: clinical testing. Allele origin: germline. Observed: 1 variant allele, 1 heterozygote.

PreventionGenetics, part of Exact Sciences
Classification: Likely benign for MYH9-related condition. Last evaluated: 2019-03-13. Review status: no assertion criteria provided. Collection method: clinical testing. Allele origin: germline. Not counted in ClinVar's aggregate classification.
Comment: This variant is classified as likely benign based on ACMG/AMP sequence variant interpretation guidelines (Richards et al. 2015 PMID: 25741868, with internal and published modifications).